The following is an entry in ClinVar:

ClinVar aggregate classification (germline): Likely benign. Review status: criteria provided, multiple submitters, no conflicts (2 of 4 stars). 3 submissions from 3 submitters: Likely benign (3). Last evaluated 2025-12-28.

Conditions:
Duchenne muscular dystrophy (DMD). Also called: MUSCULAR DYSTROPHY, PSEUDOHYPERTROPHIC PROGRESSIVE, DUCHENNE TYPE; Duchenne Muscular Dystrophy (DMD). Identifiers: Orphanet 98896, MedGen C0013264, MONDO:0010679, OMIM 310200.

Allele frequency attached by ClinVar (database versions not stated): TOPMed below 0.00001.
gnomAD v4.1: 2 of 1,204,936 alleles (0.00017%); highest among the groups gnomAD compares: Non-Finnish European, 0.00022%; no homozygotes.

Submissions (3):

Labcorp Genetics (formerly Invitae), Labcorp
Classification: Likely benign for Duchenne muscular dystrophy. Last evaluated: 2025-12-28. Review status: criteria provided, single submitter. Criteria: Invitae Variant Classification Sherloc (09022015). Collection method: clinical testing. Allele origin: germline.

CeGaT Center for Human Genetics Tuebingen
Classification: Likely benign. Last evaluated: 2023-01-01. Review status: criteria provided, single submitter. Criteria: CeGaT Center For Human Genetics Tuebingen Variant Classification Criteria Version 2. Collection method: clinical testing. Allele origin: germline. Affected: yes. Observed: 1 variant allele.
Comment: DMD: PM2:Supporting, BP4, BP7

GeneDx
Classification: Likely benign. Last evaluated: 2016-03-09. Review status: criteria provided, single submitter. Criteria: GeneDx Variant Classification (06012015). Collection method: clinical testing. Allele origin: germline. Affected: yes.
Comment: This variant is considered likely benign or benign based on one or more of the following criteria: it is a conservative change, it occurs at a poorly conserved position in the protein, it is predicted to be benign by multiple in silico algorithms, and/or has population frequency not consistent with disease.

NM_004006.3(DMD):c.1548A>T (p.Val516=)

Gene: DMD (dystrophin; minus strand). Cytogenetic location: Xp21.1.
Variant type: single nucleotide variant.
Coding change: c.1548A>T on transcript NM_004006.3 (MANE Select); coding-DNA position 1548, A replaced by T.
Protein change: p.Val516=; no amino-acid change (valine 516 retained).
Molecular consequence: synonymous variant.
Genome position (GRCh38, 1-based): chrX:32,595,811, T>A on the plus strand (A>T on the coding strand, the complement: DMD is on the minus strand). VCF-style: chrX-32595811-T-A. GRCh37 (hg19) VCF-style: chrX-32613928-T-A.
Other names: c.1524A>T, p.Val508= (NM_000109.4); c.1536A>T, p.Val512= (NM_004009.3); c.1179A>T, p.Val393= (NM_004010.3).
Identifiers: ClinVar variation 384552 (VCV000384552.34), dbSNP rs779579215, ClinGen allele CA16609181.